The following is an entry in ClinVar:

NM_198253.3(TERT):c.787C>A (p.Arg263Ser)

Gene: TERT (telomerase reverse transcriptase; minus strand). Cytogenetic location: 5p15.33.
Variant type: single nucleotide variant.
Coding change: c.787C>A on transcript NM_198253.3 (MANE Select); coding-DNA position 787, C replaced by A.
Protein change: p.Arg263Ser; replaces arginine 263 with serine.
Molecular consequence: missense variant. On other transcripts: non-coding transcript variant (2).
Genome position (GRCh38, 1-based): chr5:1,294,099, G>T on the plus strand (C>A on the coding strand, the complement: TERT is on the minus strand). VCF-style: chr5-1294099-G-T. GRCh37 (hg19) VCF-style: chr5-1294214-G-T.
Other names: c.787C>A, p.Arg263Ser (NM_001193376.3); short protein forms R263S.
Identifiers: ClinVar variation 3967379 (VCV003967379.1).

ClinVar aggregate classification (germline): Uncertain significance (1 of 4 stars; one submission).

Conditions:
Dyskeratosis congenita. Identifiers: Orphanet 1775, MedGen C0265965, MONDO:0015780.

Submission:

Ambry Genetics
Classification: Uncertain significance for Dyskeratosis congenita. Last evaluated: 2025-05-29. Review status: criteria provided, single submitter. Criteria: Ambry Variant Classification Scheme 2023. Collection method: clinical testing. Allele origin: germline.
Comment: The p.R263S variant (also known as c.787C>A), located in coding exon 2 of the TERT gene, results from a C to A substitution at nucleotide position 787. The arginine at codon 263 is replaced by serine, an amino acid with dissimilar properties. This amino acid position is conserved. In addition, this alteration is predicted to be tolerated by in silico analysis. Based on the available evidence, the clinical significance of this variant remains unclear.